The following is an entry in ClinVar:

NM_001080449.3(DNA2):c.1058-199G>A

Gene: DNA2 (DNA replication helicase/nuclease 2; minus strand). Cytogenetic location: 10q21.3.
Variant type: single nucleotide variant.
Coding change: c.1058-199G>A on transcript NM_001080449.3 (MANE Select); 199 bases into the intron before coding-DNA position 1058, G replaced by A.
Molecular consequence: intron variant.
Genome position (GRCh38, 1-based): chr10:68,445,282, C>T on the plus strand (G>A on the coding strand, the complement: DNA2 is on the minus strand). VCF-style: chr10-68445282-C-T. GRCh37 (hg19) VCF-style: chr10-70205039-C-T.
Identifiers: ClinVar variation 673690 (VCV000673690.1), dbSNP rs7916974, ClinGen allele CA208213879.
Genomic context (GRCh38, chr10:68,445,282, plus strand): 5'-GGGGAGGCTGAGGTGGGCGGATCACCTGAGGTCAGGGGTTCAAGACTAGCCTAACCAACA[C>T]GGTGAAACCCCGTCTCTACTAAAAATACATAATTAGCTGGGATTGGTGGCGCATGACTGT-3'

ClinVar aggregate classification (germline): Benign (1 of 4 stars; one submission).

Allele frequency attached by ClinVar (database versions not stated): 1000 Genomes Project 0.14537; gnomAD 0.15210 and 0.16188; 1000 Genomes Project 30x 0.15568; TOPMed 0.16885.
gnomAD v4.1: 22,930 of 152,042 alleles (15%); highest among the groups gnomAD compares: African/African-American, 42%; 3,917 homozygotes.

Submission:

GeneDx
Classification: Benign. Last evaluated: 2018-06-16. Review status: criteria provided, single submitter. Criteria: GeneDx Variant Classification (06012015). Collection method: clinical testing. Allele origin: germline. Affected: yes.
Comment: This variant is considered likely benign or benign based on one or more of the following criteria: it is a conservative change, it occurs at a poorly conserved position in the protein, it is predicted to be benign by multiple in silico algorithms, and/or has population frequency not consistent with disease.